The following is an entry in ClinVar:

NM_000939.4(POMC):c.147C>T (p.Ala49=)

Genes: POMC (proopiomelanocortin; minus strand), LOC129933280 (ATAC-STARR-seq lymphoblastoid silent region 11244; plus strand). Cytogenetic location: 2p23.3.
Variant type: single nucleotide variant.
Coding change: c.147C>T on transcript NM_000939.4 (MANE Select); coding-DNA position 147, C replaced by T.
Protein change: p.Ala49=; no amino-acid change (alanine 49 retained).
Molecular consequence: synonymous variant.
Genome position (GRCh38, 1-based): chr2:25,161,738, G>A on the plus strand (C>T on the coding strand, the complement: POMC is on the minus strand). VCF-style: chr2-25161738-G-A. GRCh37 (hg19) VCF-style: chr2-25384607-G-A.
Other names: c.147C>T, p.Ala49= (NM_001035256.3, NM_001319204.2, NM_001319205.2); c.147C>T (NM_000939.3).
Identifiers: ClinVar variation 1924255 (VCV001924255.7), dbSNP rs1404045621, ClinGen allele CA425180292.

ClinVar aggregate classification (germline): Likely benign. Review status: criteria provided, single submitter (1 of 4 stars). 2 submissions from 2 submitters: Likely benign (1). 1 of the submissions does not count toward it. Last evaluated 2022-09-26.

Conditions:
POMC-related disorder. Also called: POMC-related condition; POMC-related disorders.

Allele frequency attached by ClinVar (database versions not stated): gnomAD 0.00001; TOPMed 0.00001.
gnomAD v4.1: 19 of 1,594,484 alleles (0.0012%); highest among the groups gnomAD compares: Middle Eastern, 0.033%; no homozygotes.

Submissions (2):

Labcorp Genetics (formerly Invitae), Labcorp
Classification: Likely benign. Last evaluated: 2022-09-26. Review status: criteria provided, single submitter. Criteria: Invitae Variant Classification Sherloc (09022015). Collection method: clinical testing. Allele origin: germline.

PreventionGenetics, part of Exact Sciences
Classification: Likely benign for POMC-related condition. Last evaluated: 2024-02-26. Review status: no assertion criteria provided. Collection method: clinical testing. Allele origin: germline. Not counted in ClinVar's aggregate classification.
Comment: This variant is classified as likely benign based on ACMG/AMP sequence variant interpretation guidelines (Richards et al. 2015 PMID: 25741868, with internal and published modifications).